The following is an entry in ClinVar:

ClinVar aggregate classification (germline): Benign. Review status: criteria provided, multiple submitters, no conflicts (2 of 4 stars). 3 submissions from 3 submitters: Benign (3). Last evaluated 2026-01-12.

Conditions:
STT3B-congenital disorder of glycosylation. Also called: STT3B-CDG; CDG Ix; Congenital disorder of glycosylation type 1x. Identifiers: Orphanet 370924, MedGen C2931007, MONDO:0014271, OMIM 615597.

Allele frequency attached by ClinVar (database versions not stated): gnomAD exomes 0.00105 and 0.00248; ExAC 0.00297; 1000 Genomes Project 0.00759; 1000 Genomes Project 30x 0.00828; gnomAD 0.00993 and 0.01086; ESP Exome Variant Server 0.01038; TOPMed 0.01159.
gnomAD v4.1: 3,086 of 1,613,676 alleles (0.19%); highest among the groups gnomAD compares: African/African-American, 3.7%; 62 homozygotes.

Submissions (3):

Labcorp Genetics (formerly Invitae), Labcorp
Classification: Benign for STT3B-congenital disorder of glycosylation. Last evaluated: 2026-01-12. Review status: criteria provided, single submitter. Criteria: Invitae Variant Classification Sherloc (09022015). Collection method: clinical testing. Allele origin: germline.

GeneDx
Classification: Benign. Last evaluated: 2016-03-21. Review status: criteria provided, single submitter. Criteria: GeneDx Variant Classification (06012015). Collection method: clinical testing. Allele origin: germline. Affected: yes.
Comment: This variant is considered likely benign or benign based on one or more of the following criteria: it is a conservative change, it occurs at a poorly conserved position in the protein, it is predicted to be benign by multiple in silico algorithms, and/or has population frequency not consistent with disease.

Breakthrough Genomics
Classification: Benign. Review status: criteria provided, single submitter. Criteria: ACMG Guidelines, 2015. Collection method: not provided. Allele origin: germline. Inheritance: Autosomal recessive inheritance. Affected: yes.

NM_178862.3(STT3B):c.477A>G (p.Thr159=)

Gene: STT3B (STT3 oligosaccharyltransferase complex catalytic subunit B; plus strand). Cytogenetic location: 3p23.
Variant type: single nucleotide variant.
Coding change: c.477A>G on transcript NM_178862.3 (MANE Select); coding-DNA position 477, A replaced by G.
Protein change: p.Thr159=; no amino-acid change (threonine 159 retained).
Molecular consequence: synonymous variant.
Genome position (GRCh38, 1-based): chr3:31,579,862, A>G. VCF-style: chr3-31579862-A-G. GRCh37 (hg19) VCF-style: chr3-31621354-A-G.
Identifiers: ClinVar variation 383032 (VCV000383032.11), dbSNP rs139496568, ClinGen allele CA2294957.